The following is an entry in ClinVar:

NM_030578.4(B9D2):c.372A>G (p.Ala124=)

Gene: B9D2 (B9 domain containing 2; minus strand). Cytogenetic location: 19q13.2.
Variant type: single nucleotide variant.
Coding change: c.372A>G on transcript NM_030578.4 (MANE Select); coding-DNA position 372, A replaced by G.
Protein change: p.Ala124=; no amino-acid change (alanine 124 retained).
Molecular consequence: synonymous variant.
Genome position (GRCh38, 1-based): chr19:41,354,856, T>C on the plus strand (A>G on the coding strand, the complement: B9D2 is on the minus strand). VCF-style: chr19-41354856-T-C. GRCh37 (hg19) VCF-style: chr19-41860761-T-C.
Other names: c.372A>G (NM_030578.3).
Identifiers: ClinVar variation 4794344 (VCV004794344.2).

ClinVar aggregate classification (germline): Likely benign. Review status: criteria provided, multiple submitters, no conflicts (2 of 4 stars). 2 submissions from 2 submitters: Likely benign (2). Last evaluated 2026-02-27.

Conditions:
B9D2-related disorder. Also called: B9D2-related condition.
Joubert syndrome. Also called: Familial aplasia of the vermis; JOUBERT-BOLTSHAUSER SYNDROME. Identifiers: Orphanet 475, MedGen C5979921, MONDO:0018772.
Meckel-Gruber syndrome. Also called: Dysencephalia splachnocystica; DYSENCEPHALIA SPLANCHNOCYSTICA; GRUBER SYNDROME. Identifiers: Orphanet 564, MedGen C0265215, MONDO:0018921.

gnomAD v4.1: 26 of 1,613,786 alleles (0.0016%); highest among the groups gnomAD compares: Non-Finnish European, 0.0021%; no homozygotes.

Submissions (2):

PreventionGenetics, part of Exact Sciences
Classification: Likely benign for B9D2-related condition. Last evaluated: 2026-02-27. Review status: criteria provided, single submitter. Criteria: ACMG Guidelines, 2015. Collection method: clinical testing. Allele origin: germline.
Comment: This variant is classified as likely benign based on ACMG/AMP sequence variant interpretation guidelines (Richards et al. 2015 PMID: 25741868, with internal and published modifications).

Labcorp Genetics (formerly Invitae), Labcorp
Classification: Likely benign for Joubert syndrome; Meckel-Gruber syndrome. Last evaluated: 2026-01-25. Review status: criteria provided, single submitter. Criteria: Invitae Variant Classification Sherloc (09022015). Collection method: clinical testing. Allele origin: germline.